The following is an entry in ClinVar:

NM_001170629.2(CHD8):c.4592G>A (p.Arg1531His)

Gene: CHD8 (chromodomain helicase DNA binding protein 8; minus strand). Cytogenetic location: 14q11.2.
Variant type: single nucleotide variant.
Coding change: c.4592G>A on transcript NM_001170629.2 (MANE Select); coding-DNA position 4592, G replaced by A.
Protein change: p.Arg1531His; replaces arginine 1531 with histidine.
Molecular consequence: missense variant.
Genome position (GRCh38, 1-based): chr14:21,400,286, C>T on the plus strand (G>A on the coding strand, the complement: CHD8 is on the minus strand). VCF-style: chr14-21400286-C-T. GRCh37 (hg19) VCF-style: chr14-21868445-C-T.
Other names: c.3755G>A, p.Arg1252His (NM_020920.4); short protein forms R1252H, R1531H.
Identifiers: ClinVar variation 1064564 (VCV001064564.3), dbSNP rs192277407, ClinGen allele CA7091183.

ClinVar aggregate classification (germline): Uncertain significance. Review status: criteria provided, multiple submitters, no conflicts (2 of 4 stars). 2 submissions from 2 submitters: Uncertain significance (2). Last evaluated 2020-05-01.

Conditions:
Intellectual developmental disorder with autism and macrocephaly. Also called: Autism, susceptibility to, 18; CHD8-Related Neurodevelopmental Disorder with Overgrowth. Identifiers: Orphanet 642675, MedGen C3554373, MONDO:0014017, OMIM 615032.

Allele frequency attached by ClinVar (database versions not stated): gnomAD exomes below 0.00001; ExAC 0.00001; 1000 Genomes Project 30x 0.00016; 1000 Genomes Project 0.00020.

Submissions (2):

UNC Molecular Genetics  Laboratory, University of North Carolina at Chapel Hill
Classification: Uncertain significance for Intellectual developmental disorder with autism and macrocephaly. Last evaluated: 2020-05-01. Review status: criteria provided, single submitter. Criteria: ACMG Guidelines, 2015. Collection method: research. Allele origin: germline. Observed: 1 variant allele. Study: CSER_NCGENES.
Comment: The CHD8 c.4592G>A (p.Arg1531His) variant is a rare variant that is absent from the gnomAD human population database and has not been reported to be associated with disease in the medical literature. Computational and conservation analysis predict this variant impacts protein function. Based on current evidence, this is considered a variant of uncertain significance.

GeneDx
Classification: Uncertain significance. Last evaluated: 2019-11-21. Review status: criteria provided, single submitter. Criteria: GeneDx Variant Classification Process June 2021. Collection method: clinical testing. Allele origin: germline. Affected: yes.
Comment: In silico analysis, which includes protein predictors and evolutionary conservation, supports a deleterious effect; Has not been previously published as pathogenic or benign to our knowledge